The following is an entry in ClinVar:

ClinVar aggregate classification (germline): Uncertain significance (1 of 4 stars; one submission).

Allele frequency attached by ClinVar (database versions not stated): ExAC 0.00005.

Submission:

Labcorp Genetics (formerly Invitae), Labcorp
Classification: Uncertain significance. Last evaluated: 2023-12-09. Review status: criteria provided, single submitter. Criteria: Invitae Variant Classification Sherloc (09022015). Collection method: clinical testing. Allele origin: germline.
Comment: This sequence change falls in intron 6 of the UCP2 gene. It does not directly change the encoded amino acid sequence of the UCP2 protein. This variant is present in population databases (rs779122426, gnomAD 0.06%). This variant has not been reported in the literature in individuals affected with UCP2-related conditions. Algorithms developed to predict the effect of sequence changes on RNA splicing suggest that this variant may disrupt the consensus splice site. In summary, the available evidence is currently insufficient to determine the role of this variant in disease. Therefore, it has been classified as a Variant of Uncertain Significance.

NM_003355.3(UCP2):c.635-9C>G

Gene: UCP2 (uncoupling protein 2; minus strand). Cytogenetic location: 11q13.4.
Variant type: single nucleotide variant.
Coding change: c.635-9C>G on transcript NM_003355.3 (MANE Select); 9 bases into the intron before coding-DNA position 635, C replaced by G.
Molecular consequence: intron variant.
Genome position (GRCh38, 1-based): chr11:73,975,680, G>C on the plus strand (C>G on the coding strand, the complement: UCP2 is on the minus strand). VCF-style: chr11-73975680-G-C. GRCh37 (hg19) VCF-style: chr11-73686725-G-C.
Other names: c.635-9C>G (NM_001381944.1, NM_001381948.1, NM_001381945.1 and 2 more transcripts); c.440-9C>G (NM_001381950.1); c.533-9C>G (NM_001381949.1).
Identifiers: ClinVar variation 2977529 (VCV002977529.3), dbSNP rs779122426, ClinGen allele CA6181059.
Genomic context (GRCh38, chr11:73,975,680, plus strand): 5'-GTGGTGCAGAAGCCTGCCCCAAAGGCAGAAGTGAAGTGGCAAGGGAGGTCATCTGCCAAG[G>C]AGGAGCAGGCAAGGCAGTCAAGATCTTCACCCATCATTCCAGAAGGCAGGAGAATTACTT-3'